The following is an entry in ClinVar:

ClinVar aggregate classification (germline): Pathogenic (3 of 4 stars; one submission).

Conditions:
Breast-ovarian cancer, familial, susceptibility to, 2 (BROVCA2). Also called: BRCA2 Hereditary Breast and Ovarian Cancer. Identifiers: Orphanet 145, MedGen C2675520, MONDO:0012933, OMIM 612555. Disease mechanism: loss of function.

Submission:

Evidence-based Network for the Interpretation of Germline Mutant Alleles (ENIGMA)
Classification: Pathogenic for Breast-ovarian cancer, familial, susceptibility to, 2. Last evaluated: 2016-09-08. Review status: reviewed by expert panel. Criteria: ENIGMA BRCA1/2 Classification Criteria (2015). Collection method: curation. Allele origin: germline.
Comment: Variant allele predicted to encode a truncated non-functional protein.

NM_000059.4(BRCA2):c.2655_2656del (p.Asp885fs)

Gene: BRCA2 (BRCA2 DNA repair associated; plus strand). Cytogenetic location: 13q13.1.
Variant type: Deletion.
Coding change: c.2655_2656del on transcript NM_000059.4 (MANE Select); coding-DNA positions 2655 to 2656, 2 bases deleted (CA; older notation c.2655_2656delCA).
Protein change: p.Asp885fs; shifts the reading frame from aspartic acid 885.
Molecular consequence: frameshift variant.
Genome position (GRCh38, 1-based): chr13:32,337,010-32,337,011, CA deleted; deleting any 2 consecutive bases within chr13:32,337,009-32,337,011 gives the same sequence; the c. name uses the placement nearest the transcript's 3' end. VCF-style (leftmost placement, unchanged base first): chr13-32337008-GAC-G. GRCh37 (hg19) VCF-style: chr13-32911145-GAC-G.
Other names: c.2655_2656delCA (NM_000059.3); short protein forms D885fs.
Identifiers: ClinVar variation 254507 (VCV000254507.2), dbSNP rs764019690, ClinGen allele CA6940621.
Genomic context (GRCh38, chr13:32,337,008, plus strand): 5'-GAAGAAACTACTTCAATTTCAAAAATAACTGTCAATCCAGACTCTGAAGAACTTTTCTCA[GAC>G]AATGAGAATAATTTTGTCTTCCAAGTAGCTAATGAAAGGAATAATCTTGCTTTAGGAAAT-3'